The following is an entry in ClinVar:

ClinVar aggregate classification (germline): Uncertain significance (1 of 4 stars; one submission).

gnomAD v4.1: 4 of 1,579,210 alleles (0.00025%); highest among the groups gnomAD compares: Non-Finnish European, 0.00026%; no homozygotes.

Submission:

Labcorp Genetics (formerly Invitae), Labcorp
Classification: Uncertain significance. Last evaluated: 2022-03-04. Review status: criteria provided, single submitter. Criteria: Invitae Variant Classification Sherloc (09022015). Collection method: clinical testing. Allele origin: germline.
Comment: This variant has not been reported in the literature in individuals affected with SNIP1-related conditions. This sequence change replaces arginine, which is basic and polar, with cysteine, which is neutral and slightly polar, at codon 66 of the SNIP1 protein (p.Arg66Cys). This variant is not present in population databases (gnomAD no frequency). Algorithms developed to predict the effect of missense changes on protein structure and function are either unavailable or do not agree on the potential impact of this missense change (SIFT: "Deleterious"; PolyPhen-2: "Possibly Damaging"; Align-GVGD: "Class C0"). In summary, the available evidence is currently insufficient to determine the role of this variant in disease. Therefore, it has been classified as a Variant of Uncertain Significance.

NM_024700.4(SNIP1):c.196C>T (p.Arg66Cys)

Genes: SNIP1 (Smad nuclear interacting protein 1; minus strand), LOC129930156 (ATAC-STARR-seq lymphoblastoid silent region 673; plus strand). Cytogenetic location: 1p34.3.
Variant type: single nucleotide variant.
Coding change: c.196C>T on transcript NM_024700.4 (MANE Select); coding-DNA position 196, C replaced by T.
Protein change: p.Arg66Cys; replaces arginine 66 with cysteine.
Molecular consequence: missense variant.
Genome position (GRCh38, 1-based): chr1:37,554,034, G>A on the plus strand (C>T on the coding strand, the complement: SNIP1 is on the minus strand). VCF-style: chr1-37554034-G-A. GRCh37 (hg19) VCF-style: chr1-38019635-G-A.
Other names: short protein forms R66C.
Identifiers: ClinVar variation 2065542 (VCV002065542.4), dbSNP rs756409655, ClinGen allele CA339429748.